The following is an entry in ClinVar:

NM_000059.4(BRCA2):c.3893T>C (p.Ile1298Thr)

Gene: BRCA2 (BRCA2 DNA repair associated; plus strand). Cytogenetic location: 13q13.1.
Variant type: single nucleotide variant.
Coding change: c.3893T>C on transcript NM_000059.4 (MANE Select); coding-DNA position 3893, T replaced by C.
Protein change: p.Ile1298Thr; replaces isoleucine 1298 with threonine.
Molecular consequence: missense variant.
Genome position (GRCh38, 1-based): chr13:32,338,248, T>C. VCF-style: chr13-32338248-T-C. GRCh37 (hg19) VCF-style: chr13-32912385-T-C.
Other names: short protein forms I1298T.
Identifiers: ClinVar variation 51553 (VCV000051553.25), dbSNP rs80358633, ClinGen allele CA019075.

ClinVar aggregate classification (germline): Conflicting classifications of pathogenicity. Review status: criteria provided, conflicting classifications (1 of 4 stars). 9 submissions from 9 submitters: Uncertain significance (4); Likely benign (4). 1 of the submissions does not count toward it. Last evaluated 2026-04-15.

Conditions:
Hereditary cancer-predisposing syndrome. Also called: Neoplastic Syndromes, Hereditary; Hereditary neoplastic syndrome; Tumor predisposition; Hereditary Cancer Syndrome. Identifiers: Orphanet 140162, MedGen C0027672, MeSH D009386, MONDO:0015356.
Hereditary breast ovarian cancer syndrome. Also called: Hereditary breast and/or ovarian cancer syndrome; Hereditary breast and ovarian cancer; Hereditary breast and ovarian cancer syndrome (HBOC); Breast and ovarian cancer; BRCA1- and BRCA2-Associated Hereditary Breast and Ovarian Cancer; Hereditary breast and ovarian cancer syndrome. Identifiers: Orphanet 145, MedGen C0677776, MeSH D061325, MONDO:0003582. Disease mechanism: loss of function.
Breast-ovarian cancer, familial, susceptibility to, 2 (BROVCA2). Also called: BRCA2 Hereditary Breast and Ovarian Cancer. Identifiers: Orphanet 145, MedGen C2675520, MONDO:0012933, OMIM 612555. Disease mechanism: loss of function.
Familial cancer of breast. Also called: Hereditary breast cancer; hereditary breast carcinoma; BREAST CANCER, FAMILIAL. Identifiers: Orphanet 227535, MedGen C0346153, MONDO:0016419, OMIM 114480. Disease mechanism: loss of function.

Allele frequency attached by ClinVar (database versions not stated): TOPMed below 0.00001; gnomAD 0.00001.
gnomAD v4.1: 4 of 1,548,116 alleles (0.00026%); highest among the groups gnomAD compares: Non-Finnish European, 0.00035%; no homozygotes.

Submissions (9):

Ambry Genetics
Classification: Likely benign for Hereditary cancer-predisposing syndrome. Last evaluated: 2026-04-15. Review status: criteria provided, single submitter. Criteria: Ambry Variant Classification Scheme 2023. Collection method: clinical testing. Allele origin: germline.

Myriad Genetics, Inc.
Classification: Likely benign for Breast-ovarian cancer, familial, susceptibility to, 2. Last evaluated: 2025-03-27. Review status: criteria provided, single submitter. Criteria: Myriad Autosomal Dominant, Autosomal Recessive and X-Linked Classification Criteria (2023). Collection method: clinical testing. Allele origin: unknown.
Comment: This variant is considered likely benign. This variant is strongly associated with less severe personal and family histories of cancer, typical for individuals without pathogenic variants in this gene [PMID: 25085752].

Color Diagnostics, LLC DBA Color Health
Classification: Uncertain significance for Hereditary cancer-predisposing syndrome. Last evaluated: 2025-03-17. Review status: criteria provided, single submitter. Criteria: ACMG Guidelines, 2015. Collection method: clinical testing. Allele origin: germline.
Comment: This missense variant replaces isoleucine with threonine at codon 1298 of the BRCA2 protein. Computational prediction suggests that this variant may not impact protein structure and function. To our knowledge, functional studies have not been reported for this variant. This variant has been reported in two individuals affected with breast cancer (PMID: 12491499, 16234499). This variant has been detected in a breast cancer case-control meta-analysis in 2/60466 cases and 2/53461 unaffected individuals (PMID: 33471991; Leiden Open Variation Database DB-ID BRCA2_002093). This variant has not been identified in the general population by the Genome Aggregation Database (gnomAD). The available evidence is insufficient to determine the role of this variant in disease conclusively. Therefore, this variant is classified as a Variant of Uncertain Significance.

Center for Genomic Medicine, Rigshospitalet, Copenhagen University Hospital
Classification: Likely benign. Last evaluated: 2025-03-04. Review status: criteria provided, single submitter. Criteria: ACMG Guidelines, 2015. Collection method: clinical testing. Allele origin: germline.

Labcorp Genetics (formerly Invitae), Labcorp
Classification: Uncertain significance for Hereditary breast ovarian cancer syndrome. Last evaluated: 2024-11-12. Review status: criteria provided, single submitter. Criteria: Invitae Variant Classification Sherloc (09022015). Collection method: clinical testing. Allele origin: germline.
Comment: This sequence change replaces isoleucine, which is neutral and non-polar, with threonine, which is neutral and polar, at codon 1298 of the BRCA2 protein (p.Ile1298Thr). This variant is not present in population databases (gnomAD no frequency). This missense change has been observed in individual(s) with breast cancer (PMID: 12491499). ClinVar contains an entry for this variant (Variation ID: 51553). Invitae Evidence Modeling of protein sequence and biophysical properties (such as structural, functional, and spatial information, amino acid conservation, physicochemical variation, residue mobility, and thermodynamic stability) indicates that this missense variant is not expected to disrupt BRCA2 protein function with a negative predictive value of 95%. In summary, the available evidence is currently insufficient to determine the role of this variant in disease. Therefore, it has been classified as a Variant of Uncertain Significance.

University of Washington Department of Laboratory Medicine, University of Washington
Classification: Likely benign for Hereditary cancer-predisposing syndrome. Last evaluated: 2023-03-23. Review status: criteria provided, single submitter. Criteria: Dines et al. (Genet Med. 2020). Collection method: curation. Allele origin: germline.
Comment: Missense variant in a coldspot region where missense variants are very unlikely to be pathogenic (PMID:31911673).

BRCA2 exon 11 coldspot. Reclassification based on statistical prior probability.

Baylor Genetics
Classification: Uncertain significance for Familial cancer of breast. Last evaluated: 2021-02-11. Review status: criteria provided, single submitter. Criteria: ACMG Guidelines, 2015. Collection method: clinical testing. Allele origin: unknown.

Quest Diagnostics Nichols Institute San Juan Capistrano
Classification: Uncertain significance. Last evaluated: 2019-02-26. Review status: criteria provided, single submitter. Criteria: Quest Diagnostics criteria. Collection method: clinical testing. Allele origin: germline.

Breast Cancer Information Core (BIC) (BRCA2)
Classification: Uncertain significance for Breast-ovarian cancer, familial 2. Last evaluated: 2000-06-12. Review status: no assertion criteria provided. Collection method: clinical testing. Allele origin: germline. Affected: yes. Observed: 2 variant alleles. Not counted in ClinVar's aggregate classification.

Literature cited by the submitters: PubMed 12491499 (cited by 4 submitters); PubMed 16234499 (cited by 3 submitters); PubMed 33471991 (cited by Ambry Genetics and Color Diagnostics, LLC DBA Color Health); PubMed 25085752 (cited by Myriad Genetics, Inc.); PubMed 12097257 (cited by Quest Diagnostics Nichols Institute San Juan Capistrano).